The following is an entry in ClinVar:

NM_021954.4(GJA3):c.184G>A (p.Glu62Lys)

Gene: GJA3 (gap junction protein alpha 3; minus strand). Cytogenetic location: 13q12.11.
Variant type: single nucleotide variant.
Coding change: c.184G>A on transcript NM_021954.4 (MANE Select); coding-DNA position 184, G replaced by A.
Protein change: p.Glu62Lys; replaces glutamic acid 62 with lysine.
Molecular consequence: missense variant.
Genome position (GRCh38, 1-based): chr13:20,143,105, C>T on the plus strand (G>A on the coding strand, the complement: GJA3 is on the minus strand). VCF-style: chr13-20143105-C-T. GRCh37 (hg19) VCF-style: chr13-20717244-C-T.
Other names: short protein forms E62K.
Identifiers: ClinVar variation 1184602 (VCV001184602.13), dbSNP rs2141138365, ClinGen allele CA387465423.

ClinVar aggregate classification (germline): Pathogenic/Likely pathogenic. Review status: criteria provided, multiple submitters, no conflicts (2 of 4 stars). 5 submissions from 5 submitters: Pathogenic (1); Likely pathogenic (3). 1 of the submissions does not count toward it. Last evaluated 2025-04-03.

Conditions:
Cataract 14 multiple types. Also called: CATARACT 14, ZONULAR PULVERULENT; CATARACT 14, NUCLEAR PULVERULENT; CATARACT 14, NUCLEAR PULVERULENT AND POSTERIOR POLAR; CATARACT 14, NUCLEAR CORALLIFORM; CATARACT 14, EMBRYONAL NUCLEAR; CATARACT 14, COPPOCK-LIKE. Identifiers: Orphanet 91492, MedGen C1866078, MONDO:0011162, OMIM 601885.
GJA3-related disorders.

Submissions (5):

GeneDx
Classification: Likely pathogenic. Last evaluated: 2025-04-03. Review status: criteria provided, single submitter. Criteria: GeneDx Variant Classification Process June 2021. Collection method: clinical testing. Allele origin: germline. Affected: yes.
Comment: Not observed at significant frequency in large population cohorts (gnomAD); In silico analysis supports that this missense variant has a deleterious effect on protein structure/function; This variant is associated with the following publications: (PMID: 35008666, 32143568, 34758253, 25148791)

Labcorp Genetics (formerly Invitae), Labcorp
Classification: Pathogenic for Cataract 14 multiple types. Last evaluated: 2024-09-06. Review status: criteria provided, single submitter. Criteria: Invitae Variant Classification Sherloc (09022015). Collection method: clinical testing. Allele origin: germline.
Comment: This sequence change replaces glutamic acid, which is acidic and polar, with lysine, which is basic and polar, at codon 62 of the GJA3 protein (p.Glu62Lys). This variant is not present in population databases (gnomAD no frequency). This missense change has been observed in individual(s) with autosomal dominant congenital cataracts (PMID: 25148791; internal data). In at least one individual the variant was observed to be de novo. It has also been observed to segregate with disease in related individuals. ClinVar contains an entry for this variant (Variation ID: 1184602). Invitae Evidence Modeling of protein sequence and biophysical properties (such as structural, functional, and spatial information, amino acid conservation, physicochemical variation, residue mobility, and thermodynamic stability) indicates that this missense variant is not expected to disrupt GJA3 protein function with a negative predictive value of 80%. For these reasons, this variant has been classified as Pathogenic.

Dept. Genetics and Cancer, Menzies Institute for Medical Research, University of Tasmania
Classification: Likely pathogenic for Cataract 14 multiple types. Last evaluated: 2023-01-21. Review status: criteria provided, single submitter. Criteria: ACMG Guidelines, 2015. Collection method: curation. Allele origin: germline. Affected: yes.
Comment: Variant identified and curated during a GJA3 specific review of the literature in relation to pediatric or congenital cataract. ACMG-AMP criteria applied: PM1, PM5, PM2(Supporting), PP3. Original variant report: PMID:25148791. Gene review and curation guidelines are outlined in: DOI 10.1080/17469899.2023.2160320

Blueprint Genetics
Classification: Likely pathogenic for GJA3-related disorders. Last evaluated: 2020-09-14. Review status: criteria provided, single submitter. Criteria: ACMG Guidelines, 2015. Collection method: clinical testing. Allele origin: germline. Affected: yes. Observed: 1 variant allele.

Genomics England Pilot Project, Genomics England
Classification: Likely pathogenic for Cataract 14 multiple types. Review status: no assertion criteria provided. Criteria: ACGS Guidelines, 2016. Collection method: clinical testing. Allele origin: germline. Affected: yes. Not counted in ClinVar's aggregate classification.

Literature cited by the submitters: PubMed 25148791 (cited by Labcorp Genetics (formerly Invitae), Labcorp and Dept. Genetics and Cancer, Menzies Institute for Medical Research, University of Tasmania).